The following is an entry in ClinVar:

ClinVar aggregate classification (germline): Uncertain significance (1 of 4 stars; one submission).

Conditions:
Charcot-Marie-Tooth disease type 4. Also called: Charcot-Marie-Tooth, Type 4; Charcot-Marie-Tooth disease, type IV. Identifiers: Orphanet 64749, MedGen C4082197, MONDO:0018995.

Submission:

Labcorp Genetics (formerly Invitae), Labcorp
Classification: Uncertain significance for Charcot-Marie-Tooth disease type 4. Last evaluated: 2020-12-01. Review status: criteria provided, single submitter. Criteria: Invitae Variant Classification Sherloc (09022015). Collection method: clinical testing. Allele origin: germline.
Comment: In summary, the available evidence is currently insufficient to determine the role of this variant in disease. Therefore, it has been classified as a Variant of Uncertain Significance. This sequence change replaces glycine with valine at codon 1049 of the SH3TC2 protein (p.Gly1049Val). The glycine residue is highly conserved and there is a moderate physicochemical difference between glycine and valine. This variant is not present in population databases (ExAC no frequency). This variant has not been reported in the literature in individuals with SH3TC2-related conditions. Advanced modeling of protein sequence and biophysical properties (such as structural, functional, and spatial information, amino acid conservation, physicochemical variation, residue mobility, and thermodynamic stability) performed at Invitae indicates that this missense variant is not expected to disrupt SH3TC2 protein function.

NM_024577.4(SH3TC2):c.3146G>T (p.Gly1049Val)

Gene: SH3TC2 (SH3 domain and tetratricopeptide repeats 2; minus strand). Cytogenetic location: 5q32.
Variant type: single nucleotide variant.
Coding change: c.3146G>T on transcript NM_024577.4 (MANE Select); coding-DNA position 3146, G replaced by T.
Protein change: p.Gly1049Val; replaces glycine 1049 with valine.
Molecular consequence: missense variant.
Genome position (GRCh38, 1-based): chr5:149,012,642, C>A on the plus strand (G>T on the coding strand, the complement: SH3TC2 is on the minus strand). VCF-style: chr5-149012642-C-A. GRCh37 (hg19) VCF-style: chr5-148392205-C-A.
Other names: short protein forms G1049V.
Identifiers: ClinVar variation 1350716 (VCV001350716.8), dbSNP rs2127393379, ClinGen allele CA361662981.